The following is an entry in ClinVar:

ClinVar aggregate classification (germline): Conflicting classifications of pathogenicity. Review status: criteria provided, conflicting classifications (1 of 4 stars). 2 submissions from 2 submitters: Uncertain significance (1); Likely benign (1). Last evaluated 2024-09-25.

Conditions:
Hereditary sensory neuropathy-deafness-dementia syndrome. Also called: Hereditary sensory neuropathy type IE; NEUROPATHY, HEREDITARY SENSORY, WITH HEARING LOSS AND DEMENTIA; Hereditary Sensory and Autonomic Neuropathy Type 1E (HSAN1E); HSN IE. Identifiers: Orphanet 456318, MedGen C3279885, MONDO:0013584, OMIM 614116.

Submissions (2):

GeneDx
Classification: Uncertain significance. Last evaluated: 2024-09-25. Review status: criteria provided, single submitter. Criteria: GeneDx Variant Classification Process June 2021. Collection method: clinical testing. Allele origin: germline. Affected: yes.
Comment: Not observed at significant frequency in large population cohorts (gnomAD); Has not been previously published as pathogenic or benign to our knowledge; In silico analysis is inconclusive as to whether the variant alters gene splicing. In the absence of RNA/functional studies, the actual effect of this sequence change is unknown.

Labcorp Genetics (formerly Invitae), Labcorp
Classification: Likely benign for Hereditary sensory neuropathy-deafness-dementia syndrome. Last evaluated: 2022-10-26. Review status: criteria provided, single submitter. Criteria: Invitae Variant Classification Sherloc (09022015). Collection method: clinical testing. Allele origin: germline.

NM_001130823.3(DNMT1):c.446-7del

Gene: DNMT1 (DNA methyltransferase 1; minus strand). Cytogenetic location: 19p13.2.
Variant type: Deletion.
Coding change: c.446-7del on transcript NM_001130823.3 (MANE Select); 7 bases into the intron before coding-DNA position 446, one base deleted (C; older notation c.446-7delC).
Molecular consequence: intron variant.
Genome position (GRCh38, 1-based): chr19:10,180,241, G deleted on the plus strand (C on the coding strand, the reverse complement: DNMT1 is on the minus strand); the first of 2 consecutive G bases (chr19:10,180,241-10,180,242); deleting either gives the same sequence. VCF-style (leftmost placement, unchanged base first): chr19-10180240-AG-A. GRCh37 (hg19) VCF-style: chr19-10290916-AG-A.
Other names: c.83-7del (NM_001318731.2); c.445+109del (NM_001379.4, NM_001318730.2).
Identifiers: ClinVar variation 2960312 (VCV002960312.4), dbSNP rs1308964182, ClinGen allele CA631454942.
Genomic context (GRCh38, chr19:10,180,240, plus strand): 5'-CACATACCTCTAATCCCAGTTACTTGGGAGGCTGAGGCAGGAGGGTCTCTTGAACCTGGG[AG>A]GCAGAGGTTACAGTGAGCCGAGGTTACACCACTGTGCTCCAGACTGGGCAACACAGTGAG-3'